The following is an entry in ClinVar:

NM_001557.4(CXCR2):c.458G>A (p.Arg153His)

Gene: CXCR2 (C-X-C motif chemokine receptor 2; plus strand). Cytogenetic location: 2q35.
Variant type: single nucleotide variant.
Coding change: c.458G>A on transcript NM_001557.4 (MANE Select); coding-DNA position 458, G replaced by A.
Protein change: p.Arg153His; replaces arginine 153 with histidine.
Molecular consequence: missense variant.
Genome position (GRCh38, 1-based): chr2:218,135,259, G>A. VCF-style: chr2-218135259-G-A. GRCh37 (hg19) VCF-style: chr2-218999982-G-A.
Other names: p.Arg153His; c.458G>A, p.Arg153His (NM_001168298.2); c.458G>A (NM_001168298.1); short protein forms R153H.
Identifiers: ClinVar variation 809151 (VCV000809151.52), dbSNP rs55799208, ClinGen allele CA2101705.

ClinVar aggregate classification (germline): Conflicting classifications of pathogenicity. Review status: criteria provided, conflicting classifications (1 of 4 stars). 4 submissions from 4 submitters: Uncertain significance (1); Likely benign (3). Last evaluated 2026-01-18.

Conditions:
CXCR2-related disorder. Also called: CXCR2-related condition.

Allele frequency attached by ClinVar (database versions not stated): 1000 Genomes Project 30x 0.00062; 1000 Genomes Project 0.00080; TOPMed 0.00135; ExAC 0.00136; gnomAD 0.00137 and 0.00139; ESP Exome Variant Server 0.00138; gnomAD exomes 0.00141 and 0.00232.
gnomAD v4.1: 3,551 of 1,614,128 alleles (0.22%); highest among the groups gnomAD compares: Non-Finnish European, 0.28%; 6 homozygotes.

Submissions (4):

Labcorp Genetics (formerly Invitae), Labcorp
Classification: Likely benign. Last evaluated: 2026-01-18. Review status: criteria provided, single submitter. Criteria: Invitae Variant Classification Sherloc (09022015). Collection method: clinical testing. Allele origin: germline.

PreventionGenetics, part of Exact Sciences
Classification: Likely benign for CXCR2-related condition. Last evaluated: 2025-10-31. Review status: criteria provided, single submitter. Criteria: ACMG Guidelines, 2015. Collection method: clinical testing. Allele origin: germline.
Comment: This variant is classified as likely benign based on ACMG/AMP sequence variant interpretation guidelines (Richards et al. 2015 PMID: 25741868, with internal and published modifications).

CeGaT Center for Human Genetics Tuebingen
Classification: Likely benign. Last evaluated: 2024-12-01. Review status: criteria provided, single submitter. Criteria: CeGaT Center For Human Genetics Tuebingen Variant Classification Criteria Version 2. Collection method: clinical testing. Allele origin: germline. Affected: yes. Observed: 3 variant alleles.
Comment: CXCR2: BP4, BS1

Mayo Clinic Laboratories, Mayo Clinic
Classification: Uncertain significance. Last evaluated: 2023-08-08. Review status: criteria provided, single submitter. Criteria: ACMG Guidelines, 2015. Collection method: clinical testing. Allele origin: germline. Observed: 2 variant alleles.
Comment: BP4

Literature cited by the submitters: PubMed 24777453 (cited by Mayo Clinic Laboratories, Mayo Clinic); PubMed 27863252 (cited by Mayo Clinic Laboratories, Mayo Clinic); PubMed 32888493 (cited by Mayo Clinic Laboratories, Mayo Clinic); PubMed 32888494 (cited by Mayo Clinic Laboratories, Mayo Clinic); PubMed 34594039 (cited by Mayo Clinic Laboratories, Mayo Clinic).